The following is an entry in ClinVar:

NC_000016.10:g.2047846A>C

Genes: NTHL1 (nth like DNA glycosylase 1; minus strand), LOC130058209 (ATAC-STARR-seq lymphoblastoid active region 10253; plus strand). Cytogenetic location: 16p13.3.
Variant type: single nucleotide variant.
Genome position: GRCh38 VCF-style: chr16-2047846-A-C. GRCh37 (hg19) VCF-style: chr16-2097847-A-C.
Identifiers: ClinVar variation 1798682 (VCV001798682.8), dbSNP rs2084534027, ClinGen allele CA394298938.
Genomic context (GRCh38, chr16:2,047,846, plus strand): 5'-CGGCTCCGGGTCAGCATCCTCGCGCTCAAGGCGGTCATGCCGGACTCCTGCGGACTACAC[A>C]TCCCGGCGGCCCATGCGGCCCCGTCACGTGATGCAAGGATCGCCGGCCTTTCCGCCAGAG-3'

ClinVar aggregate classification (germline): Uncertain significance. Review status: criteria provided, multiple submitters, no conflicts (2 of 4 stars). 2 submissions from 2 submitters: Uncertain significance (2). Last evaluated 2025-05-23.

Conditions:
Hereditary cancer-predisposing syndrome. Also called: Tumor predisposition; Hereditary Cancer Syndrome; Hereditary neoplastic syndrome; Neoplastic Syndromes, Hereditary. Identifiers: Orphanet 140162, MedGen C0027672, MeSH D009386, MONDO:0015356.

Allele frequency attached by ClinVar (database versions not stated): gnomAD exomes below 0.00001.

Submissions (2):

Ambry Genetics
Classification: Uncertain significance for Hereditary cancer-predisposing syndrome. Last evaluated: 2025-05-23. Review status: criteria provided, single submitter. Criteria: Ambry Variant Classification Scheme 2023. Collection method: clinical testing. Allele origin: germline.
Comment: The p.M1? variant (also known as c.2T>G) is located in coding exon 1 of the NTHL1 gene and results from a T to G substitution at nucleotide position 2. This alters the methionine residue at the initiation codon. A p.M1? variant has been identified in conjunction with a pathogenic NTHL1 variant (p.Q90*) in at least one individual with no reported features of NTHL1-related adenomatous polyposis (Weatherill CB et al. Clin Genet, 2023 Feb;103:231-235). Variations that modify the initiation codon (ATG) are expected to result in either loss of translation initiation, N-terminal truncation, or cause a shift in the mRNA reading frame; however, there is an in-frame methionine 8 amino acids from the initiation site, which may result in N-terminal truncation of unknown functional significance. Since supporting evidence is limited at this time, the clinical significance of this alteration remains unclear.

Labcorp Genetics (formerly Invitae), Labcorp
Classification: Uncertain significance. Last evaluated: 2023-09-19. Review status: criteria provided, single submitter. Criteria: Invitae Variant Classification Sherloc (09022015). Collection method: clinical testing. Allele origin: germline.
Comment: In summary, the available evidence is currently insufficient to determine the role of this variant in disease. Therefore, it has been classified as a Variant of Uncertain Significance. Experimental studies and prediction algorithms are not available or were not evaluated, and the functional significance of this variant is currently unknown. This variant has not been reported in the literature in individuals affected with NTHL1-related conditions. ClinVar contains an entry for this variant (Variation ID: 1798682). This variant is not present in population databases (gnomAD no frequency). This sequence change affects the initiator methionine of the NTHL1 mRNA. The next in-frame methionine is located at codon 9.

Literature cited by the submitters: PubMed 36196035 (cited by Ambry Genetics).